The following is an entry in ClinVar:

ClinVar aggregate classification (germline): Uncertain significance. Review status: criteria provided, multiple submitters, no conflicts (2 of 4 stars). 2 submissions from 2 submitters: Uncertain significance (2). Last evaluated 2025-10-25.

Conditions:
Colorectal cancer, hereditary nonpolyposis, type 7. Identifiers: Orphanet 144, MedGen C1858380, MONDO:0013725, OMIM 614385.

Allele frequency attached by ClinVar (database versions not stated): gnomAD exomes below 0.00001; TOPMed below 0.00001.

Submissions (2):

Ambry Genetics
Classification: Uncertain significance. Last evaluated: 2025-10-25. Review status: criteria provided, single submitter. Criteria: Ambry Variant Classification Scheme 2023. Collection method: clinical testing. Allele origin: germline.
Comment: The p.N283S variant (also known as c.848A>G), located in coding exon 1 of the MLH3 gene, results from an A to G substitution at nucleotide position 848. The asparagine at codon 283 is replaced by serine, an amino acid with highly similar properties. This amino acid position is conserved. In addition, this alteration is predicted to be tolerated by in silico analysis. Since supporting evidence is limited at this time, the clinical significance of this alteration remains unclear.

Labcorp Genetics (formerly Invitae), Labcorp
Classification: Uncertain significance for Colorectal cancer, hereditary nonpolyposis, type 7. Last evaluated: 2022-09-15. Review status: criteria provided, single submitter. Criteria: Invitae Variant Classification Sherloc (09022015). Collection method: clinical testing. Allele origin: germline.
Comment: This variant has not been reported in the literature in individuals affected with MLH3-related conditions. ClinVar contains an entry for this variant (Variation ID: 1462064). Algorithms developed to predict the effect of missense changes on protein structure and function output the following: SIFT: "Tolerated"; PolyPhen-2: "Benign"; Align-GVGD: "Class C0". The serine amino acid residue is found in multiple mammalian species, which suggests that this missense change does not adversely affect protein function. In summary, the available evidence is currently insufficient to determine the role of this variant in disease. Therefore, it has been classified as a Variant of Uncertain Significance. This variant is present in population databases (no rsID available, gnomAD 0.003%). This sequence change replaces asparagine, which is neutral and polar, with serine, which is neutral and polar, at codon 283 of the MLH3 protein (p.Asn283Ser).

NM_001040108.2(MLH3):c.848A>G (p.Asn283Ser)

Gene: MLH3 (mutL homolog 3; minus strand). Cytogenetic location: 14q24.3.
Variant type: single nucleotide variant.
Coding change: c.848A>G on transcript NM_001040108.2 (MANE Select); coding-DNA position 848, A replaced by G.
Protein change: p.Asn283Ser; replaces asparagine 283 with serine.
Molecular consequence: missense variant.
Genome position (GRCh38, 1-based): chr14:75,048,808, T>C on the plus strand (A>G on the coding strand, the complement: MLH3 is on the minus strand). VCF-style: chr14-75048808-T-C. GRCh37 (hg19) VCF-style: chr14-75515511-T-C.
Other names: c.848A>G, p.Asn283Ser (NM_014381.3); c.848A>G (NM_001040108.1); short protein forms N283S.
Identifiers: ClinVar variation 1462064 (VCV001462064.9), dbSNP rs1336838076, ClinGen allele CA390448903.
Genomic context (GRCh38, chr14:75,048,808, plus strand): 5'-TAGAGTTCTGGGGTAGACCGGTGCCGAAGACTTGAATTCATTTGCCTACTGGTGGGACCA[T>C]TCTTTGGCTTGCATATAATACTTTCTTTCCTTAATAAAAAGTCAATGAGTTTATGTAGCT-3'
Protein context (NP_001035197.1, residues 273-293): RKESIICKPK[Asn283Ser]GPTSRQMNSS